The following is an entry in ClinVar:

ClinVar aggregate classification (germline): Uncertain significance. Review status: criteria provided, multiple submitters, no conflicts (2 of 4 stars). 3 submissions from 2 submitters: Uncertain significance (3). Last evaluated 2025-05-07.

Conditions:
Distal arthrogryposis type 2B1 (DA2B1). Also called: Arthrogryposis multiplex congenita distal type II with craniofacial abnormalities. Identifiers: Orphanet 1147, MedGen C5193014, MONDO:0020820, OMIM 601680.
Freeman-Sheldon syndrome (DA2A). Also called: CRANIOCARPOTARSAL DYSPLASIA; CRANIOCARPOTARSAL DYSTROPHY; WHISTLING FACE-WINDMILL VANE HAND SYNDROME; Arthrogryposis, distal, type 2A (Freeman-Sheldon). Identifiers: Orphanet 2053, MedGen C0265224, MONDO:0008675, OMIM 193700.

Allele frequency attached by ClinVar (database versions not stated): ExAC 0.00002; TOPMed 0.00003; ESP Exome Variant Server 0.00008.
gnomAD v4.1: 30 of 1,614,048 alleles (0.0019%); highest among the groups gnomAD compares: East Asian, 0.0045%; no homozygotes.

Submissions (3):

Labcorp Genetics (formerly Invitae), Labcorp
Classification: Uncertain significance. Last evaluated: 2025-05-07. Review status: criteria provided, single submitter. Criteria: Invitae Variant Classification Sherloc (09022015). Collection method: clinical testing. Allele origin: germline.
Comment: This sequence change replaces glutamic acid, which is acidic and polar, with glutamine, which is neutral and polar, at codon 1712 of the MYH3 protein (p.Glu1712Gln). This variant is present in population databases (rs376574468, gnomAD 0.008%). This variant has not been reported in the literature in individuals affected with MYH3-related conditions. ClinVar contains an entry for this variant (Variation ID: 321721). Invitae Evidence Modeling of protein sequence and biophysical properties (such as structural, functional, and spatial information, amino acid conservation, physicochemical variation, residue mobility, and thermodynamic stability) indicates that this missense variant is not expected to disrupt MYH3 protein function with a negative predictive value of 95%. In summary, the available evidence is currently insufficient to determine the role of this variant in disease. Therefore, it has been classified as a Variant of Uncertain Significance.

Illumina Laboratory Services, Illumina
Classification: Uncertain significance for Distal arthrogryposis type 2B1. Last evaluated: 2018-01-13. Review status: criteria provided, single submitter. Criteria: ICSL Variant Classification Criteria 13 December 2019. Collection method: clinical testing. Allele origin: germline.

Illumina Laboratory Services, Illumina
Classification: Uncertain significance for Freeman-Sheldon syndrome. Last evaluated: 2018-01-13. Review status: criteria provided, single submitter. Criteria: ICSL Variant Classification Criteria 13 December 2019. Collection method: clinical testing. Allele origin: germline.

NM_002470.4(MYH3):c.5134G>C (p.Glu1712Gln)

Gene: MYH3 (myosin heavy chain 3; minus strand). Cytogenetic location: 17p13.1.
Variant type: single nucleotide variant.
Coding change: c.5134G>C on transcript NM_002470.4 (MANE Select); coding-DNA position 5134, G replaced by C.
Protein change: p.Glu1712Gln; replaces glutamic acid 1712 with glutamine.
Molecular consequence: missense variant.
Genome position (GRCh38, 1-based): chr17:10,631,839, C>G on the plus strand (G>C on the coding strand, the complement: MYH3 is on the minus strand). VCF-style: chr17-10631839-C-G. GRCh37 (hg19) VCF-style: chr17-10535156-C-G.
Other names: short protein forms E1712Q.
Identifiers: ClinVar variation 321721 (VCV000321721.9), dbSNP rs376574468, ClinGen allele CA8392039.